The following is an entry in ClinVar:

ClinVar aggregate classification (germline): Uncertain significance (1 of 4 stars; one submission).

Submission:

Labcorp Genetics (formerly Invitae), Labcorp
Classification: Uncertain significance. Last evaluated: 2022-10-02. Review status: criteria provided, single submitter. Criteria: Invitae Variant Classification Sherloc (09022015). Collection method: clinical testing. Allele origin: germline.
Comment: Algorithms developed to predict the effect of missense changes on protein structure and function (SIFT, PolyPhen-2, Align-GVGD) all suggest that this variant is likely to be tolerated. This variant has not been reported in the literature in individuals affected with DOCK6-related conditions. This variant is not present in population databases (gnomAD no frequency). This sequence change replaces proline, which is neutral and non-polar, with serine, which is neutral and polar, at codon 1212 of the DOCK6 protein (p.Pro1212Ser). In summary, the available evidence is currently insufficient to determine the role of this variant in disease. Therefore, it has been classified as a Variant of Uncertain Significance.

NM_020812.4(DOCK6):c.3634C>T (p.Pro1212Ser)

Genes: DOCK6 (dedicator of cytokinesis 6; minus strand), DOCK6-AS1 (DOCK6 antisense RNA 1; plus strand). Cytogenetic location: 19p13.2.
Variant type: single nucleotide variant.
Coding change: c.3634C>T on transcript NM_020812.4 (MANE Select); coding-DNA position 3634, C replaced by T.
Protein change: p.Pro1212Ser; replaces proline 1212 with serine.
Molecular consequence: missense variant.
Genome position (GRCh38, 1-based): chr19:11,217,308, G>A on the plus strand (C>T on the coding strand, the complement: DOCK6 is on the minus strand). VCF-style: chr19-11217308-G-A. GRCh37 (hg19) VCF-style: chr19-11327984-G-A.
Other names: c.3739C>T, p.Pro1247Ser (NM_001367830.1); short protein forms P1212S, P1247S.
Identifiers: ClinVar variation 1718239 (VCV001718239.6), dbSNP rs1293732228, ClinGen allele CA404086093.